The following is an entry in ClinVar:

ClinVar aggregate classification (germline): Uncertain significance (1 of 4 stars; one submission).

Conditions:
DiGeorge syndrome. Also called: Catch22; THIRD AND FOURTH PHARYNGEAL POUCH SYNDROME. Identifiers: Orphanet 567, MedGen C0012236, MONDO:0008564, OMIM 188400.

Submission:

Labcorp Genetics (formerly Invitae), Labcorp
Classification: Uncertain significance for DiGeorge syndrome. Last evaluated: 2025-12-15. Review status: criteria provided, single submitter. Criteria: Invitae Variant Classification Sherloc (09022015). Collection method: clinical testing. Allele origin: germline.
Comment: This variant, c.1409_1447dup, results in the insertion of 13 amino acid(s) of the TBX1 protein (p.Ala470_Ala482dup), but otherwise preserves the integrity of the reading frame. The frequency data for this variant in the population databases is considered unreliable, as metrics indicate poor data quality at this position in the gnomAD database. This variant has not been reported in the literature in individuals affected with TBX1-related conditions. ClinVar contains an entry for this variant (Variation ID: 1060393). Experimental studies and prediction algorithms are not available or were not evaluated, and the functional significance of this variant is currently unknown. In summary, the available evidence is currently insufficient to determine the role of this variant in disease. Therefore, it has been classified as a Variant of Uncertain Significance.

NM_001379200.1(TBX1):c.1436_1474dup (p.Ala479_Ala491dup)

Gene: TBX1 (T-box transcription factor 1; plus strand). Cytogenetic location: 22q11.21.
Variant type: Duplication.
Coding change: c.1436_1474dup on transcript NM_001379200.1 (MANE Select); coding-DNA positions 1436 to 1474, 39 bases duplicated.
Protein change: p.Ala479_Ala491dup.
Molecular consequence: inframe insertion. On other transcripts: intron variant (2).
Genome position (GRCh38, 1-based): chr22:19,766,788-19,766,826, 39 bases duplicated; duplicating any 39 consecutive bases within chr22:19,766,787-19,766,826 gives the same sequence; the c. name uses the placement nearest the transcript's 3' end. GRCh37 (hg19): chr22:19,754,311-19,754,349.
Other names: c.1409_1447dup, p.Ala470_Ala482dup (NM_080647.1); c.1009+786_1009+824dup (NM_005992.1, NM_080646.2).
Identifiers: ClinVar variation 1060393 (VCV001060393.9), dbSNP rs1569024504, ClinGen allele CA638504369.